The following is an entry in ClinVar:

ClinVar aggregate classification (germline): Uncertain significance (1 of 4 stars; one submission).

Conditions:
Hereditary spastic paraplegia 11. Also called: Spastic Paraplegia 11; Spastic paraplegia, mental retardation and thin corpus callosum; Nakamura Osame syndrome; Autosomal recessive hereditary spastic paraplegia, mental impairment, and thin corpus callosum; SPASTIC PARAPLEGIA, AUTOSOMAL RECESSIVE, COMPLICATED, WITH THIN CORPUS CALLOSUM; SPASTIC PARAPLEGIA, AUTOSOMAL RECESSIVE, WITH MENTAL IMPAIRMENT AND THIN CORPUS CALLOSUM. Identifiers: Orphanet 2822, MedGen C1858479, MONDO:0011445, OMIM 604360.

gnomAD v4.1: 1 of 1,596,060 alleles (0.000063%); highest among the groups gnomAD compares: Middle Eastern, 0.017%; no homozygotes.

Submission:

Labcorp Genetics (formerly Invitae), Labcorp
Classification: Uncertain significance for Hereditary spastic paraplegia 11. Last evaluated: 2022-10-31. Review status: criteria provided, single submitter. Criteria: Invitae Variant Classification Sherloc (09022015). Collection method: clinical testing. Allele origin: germline.
Comment: This sequence change replaces arginine, which is basic and polar, with glycine, which is neutral and non-polar, at codon 24 of the SPG11 protein (p.Arg24Gly). This variant is not present in population databases (gnomAD no frequency). This variant has not been reported in the literature in individuals affected with SPG11-related conditions. Algorithms developed to predict the effect of missense changes on protein structure and function are either unavailable or do not agree on the potential impact of this missense change (SIFT: "Deleterious"; PolyPhen-2: "Benign"; Align-GVGD: "Class C0"). In summary, the available evidence is currently insufficient to determine the role of this variant in disease. Therefore, it has been classified as a Variant of Uncertain Significance.

NM_025137.4(SPG11):c.70C>G (p.Arg24Gly)

Gene: SPG11 (SPG11 vesicle trafficking associated, spatacsin; minus strand). Cytogenetic location: 15q21.1.
Variant type: single nucleotide variant.
Coding change: c.70C>G on transcript NM_025137.4 (MANE Select); coding-DNA position 70, C replaced by G.
Protein change: p.Arg24Gly; replaces arginine 24 with glycine.
Molecular consequence: missense variant.
Genome position (GRCh38, 1-based): chr15:44,663,578, G>C on the plus strand (C>G on the coding strand, the complement: SPG11 is on the minus strand). VCF-style: chr15-44663578-G-C. GRCh37 (hg19) VCF-style: chr15-44955776-G-C.
Other names: c.70C>G, p.Arg24Gly (NM_001160227.2, NM_001411132.1); short protein forms R24G.
Identifiers: ClinVar variation 2104726 (VCV002104726.1), dbSNP rs745561381, ClinGen allele CA392238836.